The following is an entry in ClinVar:

ClinVar aggregate classification (germline): Uncertain significance (1 of 4 stars; one submission).

Conditions:
Frontotemporal dementia and/or amyotrophic lateral sclerosis 4. Also called: FTDALS4. Identifiers: Orphanet 275872, MedGen C4225325, MONDO:0014641, OMIM 616439.

gnomAD v4.1: 54 of 1,607,350 alleles (0.0034%); highest among the groups gnomAD compares: Non-Finnish European, 0.0046%; no homozygotes.

Submission:

Labcorp Genetics (formerly Invitae), Labcorp
Classification: Uncertain significance for Frontotemporal dementia and/or amyotrophic lateral sclerosis 4. Last evaluated: 2025-02-01. Review status: criteria provided, single submitter. Criteria: Invitae Variant Classification Sherloc (09022015). Collection method: clinical testing. Allele origin: germline.
Comment: This sequence change replaces lysine, which is basic and polar, with arginine, which is basic and polar, at codon 484 of the TBK1 protein (p.Lys484Arg). This variant is present in population databases (rs752336723, gnomAD 0.003%). This variant has not been reported in the literature in individuals affected with TBK1-related conditions. Invitae Evidence Modeling of protein sequence and biophysical properties (such as structural, functional, and spatial information, amino acid conservation, physicochemical variation, residue mobility, and thermodynamic stability) indicates that this missense variant is not expected to disrupt TBK1 protein function with a negative predictive value of 95%. In summary, the available evidence is currently insufficient to determine the role of this variant in disease. Therefore, it has been classified as a Variant of Uncertain Significance.

NM_013254.4(TBK1):c.1451A>G (p.Lys484Arg)

Gene: TBK1 (TANK binding kinase 1; plus strand). Cytogenetic location: 12q14.2.
Variant type: single nucleotide variant.
Coding change: c.1451A>G on transcript NM_013254.4 (MANE Select); coding-DNA position 1451, A replaced by G.
Protein change: p.Lys484Arg; replaces lysine 484 with arginine.
Molecular consequence: missense variant.
Genome position (GRCh38, 1-based): chr12:64,490,049, A>G. VCF-style: chr12-64490049-A-G. GRCh37 (hg19) VCF-style: chr12-64883829-A-G.
Other names: short protein forms K484R.
Identifiers: ClinVar variation 3632609 (VCV003632609.2).
Genomic context (GRCh38, chr12:64,490,049, plus strand): 5'-AACTATGTATTGATTATACTCATTTAATTTTCTCTTTTGACTTTTCATACAGATATGAAA[A>G]GTTGATGAAGATCAACCTGGAAGCGGCAGAGTTAGGTGAAATTTCAGACATACACACCAA-3'
Protein context (NP_037386.1, residues 474-494): NIEKTVKVYE[Lys484Arg]LMKINLEAAE